The following is an entry in ClinVar:

NM_001267550.2(TTN):c.11312-4259C>T

Gene: TTN (titin; minus strand). Cytogenetic location: 2q31.2.
Variant type: single nucleotide variant.
Coding change: c.11312-4259C>T on transcript NM_001267550.2 (MANE Select); 4259 bases into the intron before coding-DNA position 11312, C replaced by T.
Molecular consequence: intron variant. On other transcripts: missense variant (1).
Genome position (GRCh38, 1-based): chr2:178,746,180, G>A on the plus strand (C>T on the coding strand, the complement: TTN is on the minus strand). VCF-style: chr2-178746180-G-A. GRCh37 (hg19) VCF-style: chr2-179610907-G-A.
Other names: c.10598-4259C>T (NM_133432.3); c.10360+6944C>T (NM_133378.4); c.10361-4259C>T (NM_001256850.1); c.16220C>T, p.Pro5407Leu (NM_133379.5); c.10223-4259C>T (NM_003319.4); c.10799-4259C>T (NM_133437.4); short protein forms P5407L.
Identifiers: ClinVar variation 2651699 (VCV002651699.25), dbSNP rs137966047, ClinGen allele CA2002979.

ClinVar aggregate classification (germline): Uncertain significance. Review status: criteria provided, multiple submitters, no conflicts (2 of 4 stars). 2 submissions from 2 submitters: Uncertain significance (2). Last evaluated 2026-06-15.

Conditions:
TTN-related disorder. Also called: TTN-related condition; TTN-related disease; TTN-related disorders.

Allele frequency attached by ClinVar (database versions not stated): ExAC 0.00001; gnomAD 0.00005; gnomAD exomes 0.00007; TOPMed 0.00007; ESP Exome Variant Server 0.00008.
gnomAD v4.1: 109 of 1,613,008 alleles (0.0068%); highest among the groups gnomAD compares: Non-Finnish European, 0.0081%; no homozygotes.

Submissions (2):

PreventionGenetics, part of Exact Sciences
Classification: Uncertain significance for TTN-related condition. Last evaluated: 2026-06-15. Review status: criteria provided, single submitter. Criteria: ACMG Guidelines, 2015. Collection method: clinical testing. Allele origin: germline.
Comment: The TTN c.11312-4259C>T variant is predicted to interfere with splicing. This variant is also referred to as c.16220C>T (p.Pro5407Leu) in the Novex-3 transcript NM_133379. This variant is located in exon 46 of the Novex-3 transcript (minor small cardiac isoform) which is the last exon of this transcript. This exon is not included in any other TTN transcripts (principle cardiac or skeletal muscle isoforms). To our knowledge, this variant has not been reported in the literature. This variant is reported in 0.0080% of alleles in individuals of African descent in gnomAD. At this time, the clinical significance of this variant is uncertain due to the absence of conclusive functional and genetic evidence.

CeGaT Center for Human Genetics Tuebingen
Classification: Uncertain significance. Last evaluated: 2023-10-01. Review status: criteria provided, single submitter. Criteria: CeGaT Center For Human Genetics Tuebingen Variant Classification Criteria Version 2. Collection method: clinical testing. Allele origin: germline. Affected: yes. Observed: 1 variant allele.
Comment: TTN: PP3